The following is an entry in ClinVar:

ClinVar aggregate classification (germline): Pathogenic/Likely pathogenic. Review status: criteria provided, multiple submitters, no conflicts (2 of 4 stars). 4 submissions from 4 submitters: Pathogenic (1); Likely pathogenic (2). 1 of the submissions does not count toward it. Last evaluated 2023-11-01.

Conditions:
DYSF-related disorder. Also called: DYSF-related condition; DYSF-related disorders.
Neuromuscular disease caused by qualitative or quantitative defects of dysferlin. Also called: Dysferlinopathy; Qualitative or quantitative defects of dysferlin. Identifiers: Orphanet 207073, MedGen C2931687, MONDO:0016145.

Allele frequency attached by ClinVar (database versions not stated): gnomAD exomes 0.00001; 1000 Genomes Project 30x 0.00016; TOPMed below 0.00001; ExAC 0.00001; gnomAD 0.00001.

Submissions (4):

Labcorp Genetics (formerly Invitae), Labcorp
Classification: Likely pathogenic for Neuromuscular disease caused by qualitative or quantitative defects of dysferlin. Last evaluated: 2023-11-01. Review status: criteria provided, single submitter. Criteria: Invitae Variant Classification Sherloc (09022015). Collection method: clinical testing. Allele origin: germline.
Comment: This sequence change affects a splice site in intron 20 of the DYSF gene. It is expected to disrupt RNA splicing. Variants that disrupt the donor or acceptor splice site typically lead to a loss of protein function (PMID: 16199547), and loss-of-function variants in DYSF are known to be pathogenic (PMID: 17698709, 20301480). This variant is present in population databases (rs774047700, gnomAD 0.0009%). Disruption of this splice site has been observed in individual(s) with limb girdle weakness and very high CPK, posterior calf atrophy (Invitae). ClinVar contains an entry for this variant (Variation ID: 195596). Algorithms developed to predict the effect of sequence changes on RNA splicing suggest that this variant may disrupt the consensus splice site. In summary, the currently available evidence indicates that the variant is pathogenic, but additional data are needed to prove that conclusively. Therefore, this variant has been classified as Likely Pathogenic.

Blueprint Genetics
Classification: Likely pathogenic for DYSF-related disorders. Last evaluated: 2021-05-14. Review status: criteria provided, single submitter. Criteria: ACMG Guidelines, 2015. Collection method: clinical testing. Allele origin: germline. Affected: yes. Observed: 1 variant allele.

Eurofins Ntd Llc (ga)
Classification: Pathogenic. Last evaluated: 2015-04-13. Review status: criteria provided, single submitter. Criteria: EGL Classification Definitions 2015. Collection method: clinical testing. Allele origin: germline. Observed: 1 variant allele, 1 heterozygote.

PreventionGenetics, part of Exact Sciences
Classification: Likely pathogenic for DYSF-related condition. Last evaluated: 2024-05-31. Review status: no assertion criteria provided. Collection method: clinical testing. Allele origin: germline. Not counted in ClinVar's aggregate classification.
Comment: The DYSF c.1931-2delA variant is predicted to result in a deletion affecting a canonical splice site. To our knowledge, this variant has not been reported in the literature. This variant has not been reported in a large population database, indicating this variant is rare. Another variant affecting this acceptor site has been documented as pathogenic (Akbar et al. 2023. PubMed ID: 37366078). This variant is interpreted as likely pathogenic.

Literature cited by the submitters: PubMed 16199547 (cited by Labcorp Genetics (formerly Invitae), Labcorp); PubMed 17698709 (cited by Labcorp Genetics (formerly Invitae), Labcorp); PubMed 20301480 (cited by Labcorp Genetics (formerly Invitae), Labcorp).

NM_001130987.2(DYSF):c.1985-2del

Gene: DYSF (dysferlin; plus strand). Cytogenetic location: 2p13.2.
Variant type: Deletion.
Coding change: c.1985-2del on transcript NM_001130987.2 (MANE Select); the canonical splice acceptor site of the intron before coding-DNA position 1985, one base deleted (A; older notation c.1985-2delA).
Molecular consequence: splice acceptor variant.
Genome position (GRCh38, 1-based): chr2:71,553,805, A deleted. VCF-style (leftmost placement, unchanged base first): chr2-71553804-CA-C. GRCh37 (hg19) VCF-style: chr2-71780934-CA-C.
Other names: c.1931-2delA (NM_003494.3); c.2024-2del (NM_001130979.2); c.1982-2del (NM_001130981.2, NM_001130980.2); c.1931-2del (NM_001130978.2, NM_003494.4); c.1889-2del (NM_001130977.2, NM_001130976.2); c.2027-2del (NM_001130982.2); c.1985-2del (NM_001130985.2); c.1934-2del (NM_001130983.2, NM_001130455.2); and 1 more.
Identifiers: ClinVar variation 195596 (VCV000195596.18), dbSNP rs774047700, ClinGen allele CA275104.